The following is an entry in ClinVar:

NM_022454.4(SOX17):c.954GCACCA[2] (p.316QH[3])

Gene: SOX17 (SRY-box transcription factor 17; plus strand). Cytogenetic location: 8q11.23.
Variant type: Microsatellite.
Coding change: c.954GCACCA[2] on transcript NM_022454.4 (MANE Select); two copies in a row of the 6-base unit GCACCA starting at c.954; the reference has four copies in a row; two copies, 12 bases deleted.
Protein change: p.316QH[3].
Molecular consequence: inframe deletion.
Genome position (GRCh38, 1-based): chr8:54,459,716-54,459,727, GCACCAGCACCA deleted; deleting any 12 consecutive bases within chr8:54,459,699-54,459,727 gives the same sequence; the position shown is the placement nearest the transcript's 3' end. VCF-style (leftmost placement, unchanged base first): chr8-54459698-ACACCAGCACCAG-A. GRCh37 (hg19) VCF-style: chr8-55372258-ACACCAGCACCAG-A.
Other names: c.966_977del12 (NM_022454.3).
Identifiers: ClinVar variation 1990484 (VCV001990484.5), dbSNP rs564144826, ClinGen allele CA4750992.

ClinVar aggregate classification (germline): Uncertain significance. Review status: criteria provided, multiple submitters, no conflicts (2 of 4 stars). 2 submissions from 2 submitters: Uncertain significance (2). Last evaluated 2025-02-03.

Conditions:
SOX17-related disorder. Also called: SOX17-related condition.

Submissions (2):

PreventionGenetics, part of Exact Sciences
Classification: Uncertain significance for SOX17-related condition. Last evaluated: 2025-02-03. Review status: criteria provided, single submitter. Criteria: ACMG Guidelines, 2015. Collection method: clinical testing. Allele origin: germline.
Comment: The SOX17 c.966_977del12 variant is predicted to result in an in-frame deletion (p.Gln322_His325del). To our knowledge, this variant has not been reported in the literature. This variant is reported in 0.022% of alleles in individuals of South Asian descent in gnomAD. At this time, the clinical significance of this variant is uncertain due to the absence of conclusive functional and genetic evidence.

Labcorp Genetics (formerly Invitae), Labcorp
Classification: Uncertain significance. Last evaluated: 2022-10-17. Review status: criteria provided, single submitter. Criteria: Invitae Variant Classification Sherloc (09022015). Collection method: clinical testing. Allele origin: germline.
Comment: In summary, the available evidence is currently insufficient to determine the role of this variant in disease. Therefore, it has been classified as a Variant of Uncertain Significance. Experimental studies and prediction algorithms are not available or were not evaluated, and the functional significance of this variant is currently unknown. This variant has not been reported in the literature in individuals affected with SOX17-related conditions. This variant is present in population databases (rs760361004, gnomAD 0.02%). This variant, c.966_977del, results in the deletion of 4 amino acid(s) of the SOX17 protein (p.Gln322_His325del), but otherwise preserves the integrity of the reading frame.